The following is an entry in ClinVar:

NM_001385125.1(OPN1SW):c.632C>G (p.Ser211Cys)

Gene: OPN1SW (opsin 1, short wave sensitive; minus strand). Cytogenetic location: 7q32.1.
Variant type: single nucleotide variant.
Coding change: c.632C>G on transcript NM_001385125.1 (MANE Select); coding-DNA position 632, C replaced by G.
Protein change: p.Ser211Cys; replaces serine 211 with cysteine.
Molecular consequence: missense variant.
Genome position (GRCh38, 1-based): chr7:128,774,544, G>C on the plus strand (C>G on the coding strand, the complement: OPN1SW is on the minus strand). VCF-style: chr7-128774544-G-C. GRCh37 (hg19) VCF-style: chr7-128414598-G-C.
Other names: short protein forms S211C.
Identifiers: ClinVar variation 2161296 (VCV002161296.4), dbSNP rs1051802434, ClinGen allele CA166211822.
Genomic context (GRCh38, chr7:128,774,544, plus strand): 5'-CAAATGCCACTCACAGCTTTCAGGGCCCTCAGCAGCTGAGTGTAGGAGAAGCAGATGAGG[G>C]AGAGAGGCACAATGAAGCAGAAGATGAAGAGGAACCACGTATAGGACTCGCTGCGGTATT-3'
Protein context (NP_001372054.1, residues 201-221): LFIFCFIVPL[Ser211Cys]LICFSYTQLL

ClinVar aggregate classification (germline): Uncertain significance (1 of 4 stars; one submission).

gnomAD v4.1: 2 of 1,614,064 alleles (0.00012%); highest among the groups gnomAD compares: African/African-American, 0.0027%; no homozygotes.

Submission:

Labcorp Genetics (formerly Invitae), Labcorp
Classification: Uncertain significance. Last evaluated: 2022-07-06. Review status: criteria provided, single submitter. Criteria: Invitae Variant Classification Sherloc (09022015). Collection method: clinical testing. Allele origin: germline.
Comment: In summary, the available evidence is currently insufficient to determine the role of this variant in disease. Therefore, it has been classified as a Variant of Uncertain Significance. Algorithms developed to predict the effect of missense changes on protein structure and function are either unavailable or do not agree on the potential impact of this missense change (SIFT: "Deleterious"; PolyPhen-2: "Possibly Damaging"; Align-GVGD: "Class C0"). This variant has not been reported in the literature in individuals affected with OPN1SW-related conditions. This variant is not present in population databases (gnomAD no frequency). This sequence change replaces serine, which is neutral and polar, with cysteine, which is neutral and slightly polar, at codon 214 of the OPN1SW protein (p.Ser214Cys).